The following is an entry in ClinVar:

NM_001377530.1(DMBT1):c.3294G>C (p.Arg1098=)

Gene: DMBT1 (deleted in malignant brain tumors 1; plus strand). Cytogenetic location: 10q26.13.
Variant type: single nucleotide variant.
Coding change: c.3294G>C on transcript NM_001377530.1 (MANE Select); coding-DNA position 3294, G replaced by C.
Protein change: p.Arg1098=; no amino-acid change (arginine 1098 retained).
Molecular consequence: synonymous variant.
Genome position (GRCh38, 1-based): chr10:122,600,077, G>C. VCF-style: chr10-122600077-G-C. GRCh37 (hg19) VCF-style: chr10-124359593-G-C.
Other names: c.3294G>C, p.Arg1098= (NM_001320644.2, NM_007329.3); c.1797G>C, p.Arg599= (NM_004406.3); c.3264G>C, p.Arg1088= (NM_017579.3); c.3294G>C (NM_007329.2).
Identifiers: ClinVar variation 2640935 (VCV002640935.25), dbSNP rs199638381, ClinGen allele CA5727506.
Genomic context (GRCh38, chr10:122,600,077, plus strand): 5'-CTTCTGTGTAATGTTCCTGATCTGACCTTCTCTTCTCTTTCTCACAGCTTCCCAGTCCCG[G>C]CCAACACCTAGTCCAGGTGGGTCCCCAGTGTCCTTCCTCAAAATGTCCCTTCTCTTTCTG-3'
Protein context (NP_001364459.1, residues 1088-1108): AGVICSASQS[Arg1098=]PTPSPDTWPT

ClinVar aggregate classification (germline): Likely benign. Review status: criteria provided, single submitter (1 of 4 stars). 2 submissions from 2 submitters: Likely benign (1). 1 of the submissions does not count toward it. Last evaluated 2023-02-01.

Conditions:
DMBT1-related disorder. Also called: DMBT1-related condition.

Allele frequency attached by ClinVar (database versions not stated): gnomAD 0.00027; gnomAD exomes 0.00038; 1000 Genomes Project 30x 0.00047; ESP Exome Variant Server 0.00050; 1000 Genomes Project 0.00060.
gnomAD v4.1: 592 of 1,606,922 alleles (0.037%); highest among the groups gnomAD compares: South Asian, 0.094%; 17 homozygotes.

Submissions (2):

CeGaT Center for Human Genetics Tuebingen
Classification: Likely benign. Last evaluated: 2023-02-01. Review status: criteria provided, single submitter. Criteria: CeGaT Center For Human Genetics Tuebingen Variant Classification Criteria Version 2. Collection method: clinical testing. Allele origin: germline. Affected: yes. Observed: 1 variant allele.
Comment: DMBT1: BP4, BP7, BS2

PreventionGenetics, part of Exact Sciences
Classification: Likely benign for DMBT1-related condition. Last evaluated: 2019-03-01. Review status: no assertion criteria provided. Collection method: clinical testing. Allele origin: germline. Not counted in ClinVar's aggregate classification.
Comment: This variant is classified as likely benign based on ACMG/AMP sequence variant interpretation guidelines (Richards et al. 2015 PMID: 25741868, with internal and published modifications).